The following is an entry in ClinVar:

NM_000138.5(FBN1):c.6954dup (p.Asn2319Ter)

Gene: FBN1 (fibrillin 1; minus strand). Cytogenetic location: 15q21.1.
Variant type: Duplication.
Coding change: c.6954dup on transcript NM_000138.5 (MANE Select); coding-DNA position 6954, one base duplicated (T; older notation c.6954dupT).
Protein change: p.Asn2319Ter; replaces asparagine 2319 with a stop codon.
Molecular consequence: nonsense.
Genome position (GRCh38, 1-based): chr15:48,428,389, A duplicated on the plus strand (T on the coding strand, the reverse complement: FBN1 is on the minus strand). VCF-style (leftmost placement, unchanged base first): chr15-48428388-T-TA. GRCh37 (hg19) VCF-style: chr15-48720585-T-TA.
Other names: c.6954dupT (NM_000138.4); short protein forms N2319*.
Identifiers: ClinVar variation 663913 (VCV000663913.6), dbSNP rs1597518796, ClinGen allele CA915946636.

ClinVar aggregate classification (germline): Pathogenic (1 of 4 stars; one submission).

Conditions:
Familial thoracic aortic aneurysm and aortic dissection (TAAD). Also called: Thoracic aortic aneurysms and dissections. Identifiers: Orphanet 91387, MedGen C4707243, MONDO:0019625.
Marfan syndrome (MFS). Also called: FBN1-Related Marfan Syndrome; Marfan syndrome type 1; Marfan's syndrome; Marfan syndrome, classic; MARFAN SYNDROME, TYPE I. Identifiers: Orphanet 284963, Orphanet 558, MedGen C0024796, MONDO:0007947, OMIM 154700.

Submission:

Labcorp Genetics (formerly Invitae), Labcorp
Classification: Pathogenic for Marfan syndrome; Familial thoracic aortic aneurysm and aortic dissection. Last evaluated: 2018-08-25. Review status: criteria provided, single submitter. Criteria: Invitae Variant Classification Sherloc (09022015). Collection method: clinical testing. Allele origin: germline.
Comment: For these reasons, this variant has been classified as Pathogenic. Loss-of-function variants in FBN1 are known to be pathogenic (PMID: 17657824, 19293843). This variant has not been reported in the literature in individuals with FBN1-related disease. This variant is not present in population databases (ExAC no frequency). This sequence change creates a premature translational stop signal (p.Asn2319*) in the FBN1 gene. It is expected to result in an absent or disrupted protein product.

Literature cited by the submitters: PubMed 17657824; PubMed 19293843.